The following is an entry in ClinVar:

NC_000006.12:g.(?_118548061)_(118559090_?)del

Genes: PLN (phospholamban; plus strand), CEP85L (centrosomal protein 85L; minus strand). Cytogenetic location: 6q22.31.
Variant type: Deletion.
Identifiers: ClinVar variation 657898 (VCV000657898.2).

ClinVar aggregate classification (germline): Pathogenic (1 of 4 stars; one submission).

Conditions:
Dilated cardiomyopathy 1P (CMD1P). Identifiers: Orphanet 154, MedGen C1835928, MONDO:0012362, OMIM 609909.

Submission:

Labcorp Genetics (formerly Invitae), Labcorp
Classification: Pathogenic for Dilated cardiomyopathy 1P. Last evaluated: 2019-08-25. Review status: criteria provided, single submitter. Criteria: Invitae Variant Classification Sherloc (09022015). Collection method: clinical testing. Allele origin: germline.
Comment: A gross deletion of the genomic region encompassing the full coding sequence of the PLN gene has been identified. The boundaries of this event are unknown as the deletion extends beyond the assayed region for this gene and therefore may encompass additional genes. A similar deletion of PLN has been reported in several individuals affected with hypertrophic cardiomyopathy (PMID: 28771489). Loss-of-function variants in PLN are known to be pathogenic (PMID: 12639993, 17655857, 21167350, 22707725, 24909667). For these reasons, this variant has been classified as Pathogenic.

Literature cited by the submitters: PubMed 28771489.